The following is an entry in ClinVar:

NM_177438.3(DICER1):c.2155A>G (p.Thr719Ala)

Gene: DICER1 (dicer 1, ribonuclease III; minus strand). Cytogenetic location: 14q32.13.
Variant type: single nucleotide variant.
Coding change: c.2155A>G on transcript NM_177438.3 (MANE Select); coding-DNA position 2155, A replaced by G.
Protein change: p.Thr719Ala; replaces threonine 719 with alanine.
Molecular consequence: missense variant. On other transcripts: non-coding transcript variant (6).
Genome position (GRCh38, 1-based): chr14:95,111,418, T>C on the plus strand (A>G on the coding strand, the complement: DICER1 is on the minus strand). VCF-style: chr14-95111418-T-C. GRCh37 (hg19) VCF-style: chr14-95577755-T-C.
Other names: c.2155A>G, p.Thr719Ala (NM_001195573.1, NM_001271282.3, NM_001291628.2 and 13 more transcripts); c.1873A>G, p.Thr625Ala (NM_001395686.1); c.1750A>G, p.Thr584Ala (NM_001395687.1, NM_001395688.1, NM_001395689.1 and 3 more transcripts); c.1588A>G, p.Thr530Ala (NM_001395691.1); c.472A>G, p.Thr158Ala (NM_001395697.1); short protein forms T158A, T530A, T584A, T625A, T719A.
Identifiers: ClinVar variation 3229328 (VCV003229328.1), dbSNP rs2542913504, ClinGen allele CA390882805.

ClinVar aggregate classification (germline): Uncertain significance (1 of 4 stars; one submission).

Conditions:
Hereditary cancer-predisposing syndrome. Also called: Neoplastic Syndromes, Hereditary; Tumor predisposition; Hereditary neoplastic syndrome; Hereditary Cancer Syndrome. Identifiers: Orphanet 140162, MedGen C0027672, MeSH D009386, MONDO:0015356.

Submission:

Ambry Genetics
Classification: Uncertain significance for Hereditary cancer-predisposing syndrome. Last evaluated: 2024-02-03. Review status: criteria provided, single submitter. Criteria: Ambry Variant Classification Scheme 2023. Collection method: clinical testing. Allele origin: germline.
Comment: The p.T719A variant (also known as c.2155A>G), located in coding exon 13 of the DICER1 gene, results from an A to G substitution at nucleotide position 2155. The threonine at codon 719 is replaced by alanine, an amino acid with similar properties. This amino acid position is conserved. In addition, the in silico prediction for this alteration is inconclusive. Based on the available evidence, the clinical significance of this alteration remains unclear.